The following is an entry in ClinVar:

NM_015602.4(TOR1AIP1):c.445A>G (p.Arg149Gly)

Genes: TOR1AIP1 (torsin 1A interacting protein 1; plus strand), LOC112577517 (Sharpr-MPRA regulatory region 13766; plus strand). Cytogenetic location: 1q25.2.
Variant type: single nucleotide variant.
Coding change: c.445A>G on transcript NM_015602.4 (MANE Select); coding-DNA position 445, A replaced by G.
Protein change: p.Arg149Gly; replaces arginine 149 with glycine.
Molecular consequence: missense variant.
Genome position (GRCh38, 1-based): chr1:179,882,947, A>G. VCF-style: chr1-179882947-A-G. GRCh37 (hg19) VCF-style: chr1-179852082-A-G.
Other names: p.Arg149Gly; c.445A>G, p.Arg149Gly (NM_001267578.2); short protein forms R149G.
Identifiers: ClinVar variation 4541960 (VCV004541960.1).
Genomic context (GRCh38, chr1:179,882,947, plus strand): 5'-CGCCTTCAGCAGCAGCACTCAGAGCAGCCTCCGCTACAGCCGTCTCCTGTTATGACCAGG[A>G]GAGGGCTGCGGGACTCTCATTCCTCTGAAGGTGAGGACCGCGGAGGTAACAGTCCCAGCC-3'
Protein context (NP_056417.2, residues 139-159): PLQPSPVMTR[Arg149Gly]GLRDSHSSEE

ClinVar aggregate classification (germline): Uncertain significance (1 of 4 stars; one submission).

gnomAD v4.1: 14 of 1,613,484 alleles (0.00087%); highest among the groups gnomAD compares: African/African-American, 0.0053%; no homozygotes.

Submission:

Mayo Clinic Laboratories, Mayo Clinic
Classification: Uncertain significance. Last evaluated: 2025-02-01. Review status: criteria provided, single submitter. Criteria: ACMG Guidelines, 2015. Collection method: clinical testing. Allele origin: germline. Observed: 1 variant allele.
Comment: BP4